The following is an entry in ClinVar:

ClinVar aggregate classification (germline): Uncertain significance (1 of 4 stars; one submission).

Submission:

Labcorp Genetics (formerly Invitae), Labcorp
Classification: Uncertain significance. Last evaluated: 2022-05-01. Review status: criteria provided, single submitter. Criteria: Invitae Variant Classification Sherloc (09022015). Collection method: clinical testing. Allele origin: germline.
Comment: In summary, the available evidence is currently insufficient to determine the role of this variant in disease. Therefore, it has been classified as a Variant of Uncertain Significance. Algorithms developed to predict the effect of missense changes on protein structure and function are either unavailable or do not agree on the potential impact of this missense change (SIFT: "Deleterious"; PolyPhen-2: "Possibly Damaging"; Align-GVGD: "Class C0"). This variant has not been reported in the literature in individuals affected with MPDZ-related conditions. This variant is present in population databases (no rsID available, gnomAD 0.001%). This sequence change replaces isoleucine, which is neutral and non-polar, with methionine, which is neutral and non-polar, at codon 1187 of the MPDZ protein (p.Ile1187Met).

NM_001378778.1(MPDZ):c.3561C>G (p.Ile1187Met)

Gene: MPDZ (multiple PDZ domain crumbs cell polarity complex component; minus strand). Cytogenetic location: 9p23.
Variant type: single nucleotide variant.
Coding change: c.3561C>G on transcript NM_001378778.1 (MANE Select); coding-DNA position 3561, C replaced by G.
Protein change: p.Ile1187Met; replaces isoleucine 1187 with methionine.
Molecular consequence: missense variant.
Genome position (GRCh38, 1-based): chr9:13,150,580, G>C on the plus strand (C>G on the coding strand, the complement: MPDZ is on the minus strand). VCF-style: chr9-13150580-G-C. GRCh37 (hg19) VCF-style: chr9-13150579-G-C.
Other names: c.3561C>G, p.Ile1187Met (NM_001261406.2, NM_001261407.2, NM_001330637.2 and 13 more transcripts); c.3363C>G, p.Ile1121Met (NM_001375427.1); short protein forms I1121M, I1187M.
Identifiers: ClinVar variation 2132440 (VCV002132440.4), dbSNP rs1311727947, ClinGen allele CA372951026.